The following is an entry in ClinVar:

ClinVar aggregate classification (germline): Uncertain significance (1 of 4 stars; one submission).

Conditions:
Autosomal recessive distal spinal muscular atrophy 2. Also called: NEUROPATHY, DISTAL HEREDITARY MOTOR, AUTOSOMAL RECESSIVE 2; NEURONOPATHY, DISTAL HEREDITARY MOTOR, JERASH TYPE; NEUROPATHY, DISTAL HEREDITARY MOTOR, JERASH TYPE; SPINAL MUSCULAR ATROPHY, JERASH TYPE; Hereditary motor neuropathy, Jerash type; Motor neuropathy, distal, Jerash type. Identifiers: Orphanet 139552, MedGen C1854023, MONDO:0011585, OMIM 605726.
Amyotrophic lateral sclerosis type 16. Also called: AMYOTROPHIC LATERAL SCLEROSIS 16, JUVENILE. Identifiers: Orphanet 300605, MedGen C3280587, MONDO:0013715, OMIM 614373.

Submission:

Labcorp Genetics (formerly Invitae), Labcorp
Classification: Uncertain significance for Autosomal recessive distal spinal muscular atrophy 2; Amyotrophic lateral sclerosis type 16. Last evaluated: 2021-12-03. Review status: criteria provided, single submitter. Criteria: Invitae Variant Classification Sherloc (09022015). Collection method: clinical testing. Allele origin: germline.
Comment: In summary, the available evidence is currently insufficient to determine the role of this variant in disease. Therefore, it has been classified as a Variant of Uncertain Significance. Algorithms developed to predict the effect of missense changes on protein structure and function are either unavailable or do not agree on the potential impact of this missense change (SIFT: "Tolerated"; PolyPhen-2: "Probably Damaging"; Align-GVGD: "Class C0"). This variant has not been reported in the literature in individuals affected with SIGMAR1-related conditions. This variant is not present in population databases (gnomAD no frequency). This sequence change replaces glycine, which is neutral and non-polar, with alanine, which is neutral and non-polar, at codon 71 of the SIGMAR1 protein (p.Gly71Ala).

NM_005866.4(SIGMAR1):c.212G>C (p.Gly71Ala)

Gene: SIGMAR1 (sigma receptor chaperone 1; minus strand). Cytogenetic location: 9p13.3.
Variant type: single nucleotide variant.
Coding change: c.212G>C on transcript NM_005866.4 (MANE Select); coding-DNA position 212, G replaced by C.
Protein change: p.Gly71Ala; replaces glycine 71 with alanine.
Molecular consequence: missense variant. On other transcripts: 5 prime UTR variant (1), non-coding transcript variant (1).
Genome position (GRCh38, 1-based): chr9:34,637,360, C>G on the plus strand (G>C on the coding strand, the complement: SIGMAR1 is on the minus strand). VCF-style: chr9-34637360-C-G. GRCh37 (hg19) VCF-style: chr9-34637357-C-G.
Other names: c.212G>C, p.Gly71Ala (NM_001282205.2, NM_001282208.2, NM_001282209.2 and 1 more transcripts); c.-42G>C (NM_001282206.2); c.152G>C, p.Gly51Ala (NM_001282207.2); short protein forms G51A, G71A.
Identifiers: ClinVar variation 2031541 (VCV002031541.4), dbSNP rs2492825543, ClinGen allele CA373275171.